The following is an entry in ClinVar:

NM_181458.4(PAX3):c.809_810insA (p.Arg271fs)

Gene: PAX3 (paired box 3; minus strand). Cytogenetic location: 2q36.1.
Variant type: Insertion.
Coding change: c.809_810insA on transcript NM_181458.4 (MANE Select); coding-DNA positions 809 to 810, A inserted.
Protein change: p.Arg271fs; shifts the reading frame from arginine 271.
Molecular consequence: frameshift variant.
Genome position: GRCh38 VCF-style: chr2-222221370-G-GT. GRCh37 (hg19) VCF-style: chr2-223086089-G-GT.
Other names: c.806_807insA, p.Arg270fs (NM_001127366.3); c.809_810insA, p.Arg271fs (NM_181457.4, NM_181459.4, NM_181460.4 and 1 more transcripts); short protein forms R270fs, R271fs.
Identifiers: ClinVar variation 5000245 (VCV005000245.1).

ClinVar aggregate classification (germline): Likely pathogenic (1 of 4 stars; one submission).

Conditions:
PAX3-related disorder. Also called: PAX3-related condition.

Submission:

PreventionGenetics, part of Exact Sciences
Classification: Likely pathogenic for PAX3-related condition. Last evaluated: 2025-06-02. Review status: criteria provided, single submitter. Criteria: ACMG Guidelines, 2015. Collection method: clinical testing. Allele origin: germline.
Comment: The PAX3 c.809_810insA variant is predicted to result in a frameshift and premature protein termination (p.Arg271Profs*139). To our knowledge, this variant has not been reported in the literature or in a large population database (gnomAD), indicating this variant is rare. Frameshift variants in PAX3 are expected to be pathogenic. This variant is interpreted as likely pathogenic.